The following is an entry in ClinVar:

NM_000264.5(PTCH1):c.166T>A (p.Cys56Ser)

Gene: PTCH1 (patched 1; minus strand). Cytogenetic location: 9q22.32.
Variant type: single nucleotide variant.
Coding change: c.166T>A on transcript NM_000264.5 (MANE Select); coding-DNA position 166, T replaced by A.
Protein change: p.Cys56Ser; replaces cysteine 56 with serine.
Molecular consequence: missense variant. On other transcripts: non-coding transcript variant (1), intron variant (3).
Genome position (GRCh38, 1-based): chr9:95,508,196, A>T on the plus strand (T>A on the coding strand, the complement: PTCH1 is on the minus strand). VCF-style: chr9-95508196-A-T. GRCh37 (hg19) VCF-style: chr9-98270478-A-T.
Other names: c.166T>A, p.Cys56Ser (NM_001354918.2); c.199-1597T>A (NM_001083603.3); c.4-1597T>A (NM_001083602.3, NM_001354919.2); short protein forms C56S.
Identifiers: ClinVar variation 1777661 (VCV001777661.3), dbSNP rs1340609158, ClinGen allele CA374121315.
Genomic context (GRCh38, chr9:95,508,196, plus strand): 5'-TGGGAGGAGAGAGTCTGAAATGCACCTTGGAAATCTGCTCCAGAGCGAAGGCGGCGTCGC[A>T]GTAGCTGGGCCGGTGCAGATAGTCCCGGTCCGGCGCGGCAGCACGGCGCAGCCCCCCCGT-3'
Protein context (NP_000255.2, residues 46-66): DRDYLHRPSY[Cys56Ser]DAAFALEQIS

ClinVar aggregate classification (germline): Uncertain significance (1 of 4 stars; one submission).

Conditions:
Hereditary cancer-predisposing syndrome. Also called: Neoplastic Syndromes, Hereditary; Tumor predisposition; Hereditary Cancer Syndrome; Hereditary neoplastic syndrome. Identifiers: Orphanet 140162, MedGen C0027672, MeSH D009386, MONDO:0015356.

gnomAD v4.1: 2 of 1,612,626 alleles (0.00012%); highest among the groups gnomAD compares: South Asian, 0.0011%; no homozygotes.

Submission:

Ambry Genetics
Classification: Uncertain significance for Hereditary cancer-predisposing syndrome. Last evaluated: 2024-11-11. Review status: criteria provided, single submitter. Criteria: Ambry Variant Classification Scheme 2023. Collection method: clinical testing. Allele origin: germline.
Comment: The p.C56S variant (also known as c.166T>A), located in coding exon 1 of the PTCH1 gene, results from a T to A substitution at nucleotide position 166. The cysteine at codon 56 is replaced by serine, an amino acid with dissimilar properties. This amino acid position is conserved. In addition, this alteration is predicted to be deleterious by in silico analysis. Since supporting evidence is limited at this time, the clinical significance of this alteration remains unclear.